The following is an entry in ClinVar:

NM_001271.4(CHD2):c.3886-366C>T

Gene: CHD2 (chromodomain helicase DNA binding protein 2; plus strand). Cytogenetic location: 15q26.1.
Variant type: single nucleotide variant.
Coding change: c.3886-366C>T on transcript NM_001271.4 (MANE Select); 366 bases into the intron before coding-DNA position 3886, C replaced by T.
Molecular consequence: intron variant.
Genome position (GRCh38, 1-based): chr15:92,998,133, C>T. VCF-style: chr15-92998133-C-T. GRCh37 (hg19) VCF-style: chr15-93541363-C-T.
Identifiers: ClinVar variation 2645724 (VCV002645724.24), dbSNP rs138502435, ClinGen allele CA7748312.

ClinVar aggregate classification (germline): Benign (1 of 4 stars; one submission).

Allele frequency attached by ClinVar (database versions not stated): gnomAD 0.00060; TOPMed 0.00079; 1000 Genomes Project 0.00200; 1000 Genomes Project 30x 0.00203.
gnomAD v4.1: 265 of 997,238 alleles (0.027%); highest among the groups gnomAD compares: East Asian, 1.5%; 4 homozygotes.

Submission:

CeGaT Center for Human Genetics Tuebingen
Classification: Benign. Last evaluated: 2022-10-01. Review status: criteria provided, single submitter. Criteria: CeGaT Center For Human Genetics Tuebingen Variant Classification Criteria Version 2. Collection method: clinical testing. Allele origin: germline. Affected: yes. Observed: 1 variant allele.
Comment: CHD2: BS1, BS2